The following is an entry in ClinVar:

NM_001348323.3(TRIP12):c.1478G>A (p.Gly493Glu)

Gene: TRIP12 (thyroid hormone receptor interactor 12; minus strand). Cytogenetic location: 2q36.3.
Variant type: single nucleotide variant.
Coding change: c.1478G>A on transcript NM_001348323.3 (MANE Select); coding-DNA position 1478, G replaced by A.
Protein change: p.Gly493Glu; replaces glycine 493 with glutamic acid.
Molecular consequence: missense variant.
Genome position (GRCh38, 1-based): chr2:229,818,485, C>T on the plus strand (G>A on the coding strand, the complement: TRIP12 is on the minus strand). VCF-style: chr2-229818485-C-T. GRCh37 (hg19) VCF-style: chr2-230683201-C-T.
Other names: c.1478G>A, p.Gly493Glu (NM_001284214.2, NM_001348315.2, NM_001348319.1 and 11 more transcripts); c.1352G>A, p.Gly451Glu (NM_001284215.2, NM_001348316.2, NM_001348317.1 and 2 more transcripts); c.443G>A, p.Gly148Glu (NM_001284216.2); c.1391G>A, p.Gly464Glu (NM_001348332.1); c.1334G>A, p.Gly445Glu (NM_004238.3); short protein forms G148E, G445E, G451E, G464E, G493E.
Identifiers: ClinVar variation 3391699 (VCV003391699.1).

ClinVar aggregate classification (germline): Uncertain significance (1 of 4 stars; one submission).

Submission:

GeneDx
Classification: Uncertain significance. Last evaluated: 2024-06-18. Review status: criteria provided, single submitter. Criteria: GeneDx Variant Classification Process June 2021. Collection method: clinical testing. Allele origin: germline. Affected: yes.
Comment: Not observed at significant frequency in large population cohorts (gnomAD); In silico analysis supports that this missense variant has a deleterious effect on protein structure/function; Has not been previously published as pathogenic or benign to our knowledge